The following is an entry in ClinVar:

ClinVar aggregate classification (germline): Uncertain significance (1 of 4 stars; one submission).

gnomAD v4.1: 11 of 1,607,882 alleles (0.00068%); highest among the groups gnomAD compares: Middle Eastern, 0.016%; no homozygotes.

Submission:

GeneDx
Classification: Uncertain significance. Last evaluated: 2025-02-28. Review status: criteria provided, single submitter. Criteria: GeneDx Variant Classification Process June 2021. Collection method: clinical testing. Allele origin: germline. Affected: yes.
Comment: In silico analysis suggests this variant may impact gene splicing. In the absence of RNA/functional studies, the actual effect of this sequence change is unknown.; Has not been previously published as pathogenic or benign to our knowledge

NM_007118.4(TRIO):c.7509G>A (p.Pro2503=)

Gene: TRIO (trio Rho guanine nucleotide exchange factor; plus strand). Cytogenetic location: 5p15.2.
Variant type: single nucleotide variant.
Coding change: c.7509G>A on transcript NM_007118.4 (MANE Select); coding-DNA position 7509, G replaced by A.
Protein change: p.Pro2503=; no amino-acid change (proline 2503 retained).
Molecular consequence: synonymous variant.
Genome position (GRCh38, 1-based): chr5:14,488,137, G>A. VCF-style: chr5-14488137-G-A. GRCh37 (hg19) VCF-style: chr5-14488246-G-A.
Identifiers: ClinVar variation 4077179 (VCV004077179.1).